The following is an entry in ClinVar:

ClinVar aggregate classification (germline): Uncertain significance (1 of 4 stars; one submission).

Conditions:
LAMA2-related muscular dystrophy (LAMA2-RD). Also called: Laminin alpha 2-related dystrophy. Identifiers: MedGen C5679788, MONDO:0100228.

gnomAD v4.1: 1 of 1,613,776 alleles (0.000062%); highest among the groups gnomAD compares: South Asian, 0.0011%; no homozygotes.

Submission:

Labcorp Genetics (formerly Invitae), Labcorp
Classification: Uncertain significance for LAMA2-related muscular dystrophy. Last evaluated: 2022-07-08. Review status: criteria provided, single submitter. Criteria: Invitae Variant Classification Sherloc (09022015). Collection method: clinical testing. Allele origin: germline.
Comment: This sequence change replaces glycine, which is neutral and non-polar, with aspartic acid, which is acidic and polar, at codon 1969 of the LAMA2 protein (p.Gly1969Asp). This variant is not present in population databases (gnomAD no frequency). This variant has not been reported in the literature in individuals affected with LAMA2-related conditions. Advanced modeling of protein sequence and biophysical properties (such as structural, functional, and spatial information, amino acid conservation, physicochemical variation, residue mobility, and thermodynamic stability) performed at Invitae indicates that this missense variant is not expected to disrupt LAMA2 protein function. In summary, the available evidence is currently insufficient to determine the role of this variant in disease. Therefore, it has been classified as a Variant of Uncertain Significance.

NM_000426.4(LAMA2):c.5906G>A (p.Gly1969Asp)

Gene: LAMA2 (laminin subunit alpha 2; plus strand). Cytogenetic location: 6q22.33.
Variant type: single nucleotide variant.
Coding change: c.5906G>A on transcript NM_000426.4 (MANE Select); coding-DNA position 5906, G replaced by A.
Protein change: p.Gly1969Asp; replaces glycine 1969 with aspartic acid.
Molecular consequence: missense variant.
Genome position (GRCh38, 1-based): chr6:129,427,792, G>A. VCF-style: chr6-129427792-G-A. GRCh37 (hg19) VCF-style: chr6-129748937-G-A.
Other names: c.5906G>A, p.Gly1969Asp (NM_001079823.2); short protein forms G1969D.
Identifiers: ClinVar variation 1969135 (VCV001969135.2), dbSNP rs2533352382, ClinGen allele CA365623947.
Genomic context (GRCh38, chr6:129,427,792, plus strand): 5'-ATTTGTTTTTCTGTCCACAGGCAACAGGTCCTCGGGGTTTATTAAAGGAAGATGCCAAAG[G>A]CTGTCTTCAGAAAAGCTTCAGGATTCTTAACGAAGCCAAGAAGTTAGCAAATGATGTAAA-3'
Protein context (NP_000417.3, residues 1959-1979): PRGLLKEDAK[Gly1969Asp]CLQKSFRILN